The following is an entry in ClinVar:

ClinVar aggregate classification (germline): Uncertain significance. Review status: criteria provided, multiple submitters, no conflicts (2 of 4 stars). 3 submissions from 3 submitters: Uncertain significance (2). 1 of the submissions does not count toward it. Last evaluated 2021-01-07.

Conditions:
Very long chain acyl-CoA dehydrogenase deficiency (ACADVLD). Also called: Very Long-Chain Acyl-Coenzyme A Dehydrogenase Deficiency; VLCAD Deficiency. Identifiers: Orphanet 26793, MedGen C3887523, MONDO:0008723, OMIM 201475.

gnomAD v4.1: 1 of 1,613,920 alleles (0.000062%); no homozygotes.

Submissions (3):

ARUP Laboratories, Molecular Genetics and Genomics, ARUP Laboratories
Classification: Uncertain significance for Very long chain acyl-CoA dehydrogenase deficiency. Last evaluated: 2021-01-07. Review status: criteria provided, single submitter. Criteria: ARUP Molecular Germline Variant Investigation Process 2021. Collection method: clinical testing. Allele origin: germline.
Comment: The ACADVL c.1007T>A; p.Ile336Asn variant, to our knowledge, is not reported in the medical literature or gene specific databases. This variant is also absent from general population databases (Exome Variant Server, Genome Aggregation Database), indicating it is not a common polymorphism. The isoleucine at codon 336 is highly conserved, and computational analyses predict that this variant is deleterious (REVEL: 0.888). However, given the lack of clinical and functional data, the significance of this variant is uncertain at this time.

Labcorp Genetics (formerly Invitae), Labcorp
Classification: Uncertain significance for Very long chain acyl-CoA dehydrogenase deficiency. Last evaluated: 2020-02-04. Review status: criteria provided, single submitter. Criteria: Invitae Variant Classification Sherloc (09022015). Collection method: clinical testing. Allele origin: germline.
Comment: In summary, the available evidence is currently insufficient to determine the role of this variant in disease. Therefore, it has been classified as a Variant of Uncertain Significance. Algorithms developed to predict the effect of missense changes on protein structure and function (SIFT, PolyPhen-2, Align-GVGD) all suggest that this variant is likely to be disruptive, but these predictions have not been confirmed by published functional studies and their clinical significance is uncertain. This variant has not been reported in the literature in individuals with ACADVL-related conditions. This variant is not present in population databases (ExAC no frequency). This sequence change replaces isoleucine with asparagine at codon 336 of the ACADVL protein (p.Ile336Asn). The isoleucine residue is highly conserved and there is a large physicochemical difference between isoleucine and asparagine.

Natera, Inc.
Classification: Uncertain significance for Very long chain acyl-CoA dehydrogenase deficiency. Last evaluated: 2020-05-26. Review status: no assertion criteria provided. Collection method: clinical testing. Allele origin: germline. Not counted in ClinVar's aggregate classification.

NM_000018.4(ACADVL):c.1007T>A (p.Ile336Asn)

Gene: ACADVL (acyl-CoA dehydrogenase very long chain; plus strand). Cytogenetic location: 17p13.1.
Variant type: single nucleotide variant.
Coding change: c.1007T>A on transcript NM_000018.4 (MANE Select); coding-DNA position 1007, T replaced by A.
Protein change: p.Ile336Asn; replaces isoleucine 336 with asparagine.
Molecular consequence: missense variant.
Genome position (GRCh38, 1-based): chr17:7,222,795, T>A. VCF-style: chr17-7222795-T-A. GRCh37 (hg19) VCF-style: chr17-7126114-T-A.
Other names: c.941T>A, p.Ile314Asn (NM_001033859.3); c.1076T>A, p.Ile359Asn (NM_001270447.2); c.779T>A, p.Ile260Asn (NM_001270448.2); short protein forms I260N, I314N, I336N, I359N.
Identifiers: ClinVar variation 1023977 (VCV001023977.18), dbSNP rs1431769044, ClinGen allele CA397724149.